The following is an entry in ClinVar:

NM_170606.3(KMT2C):c.2066T>C (p.Met689Thr)

Gene: KMT2C (lysine methyltransferase 2C; minus strand). Cytogenetic location: 7q36.1.
Variant type: single nucleotide variant.
Coding change: c.2066T>C on transcript NM_170606.3 (MANE Select); coding-DNA position 2066, T replaced by C.
Protein change: p.Met689Thr; replaces methionine 689 with threonine.
Molecular consequence: missense variant.
Genome position (GRCh38, 1-based): chr7:152,248,368, A>G on the plus strand (T>C on the coding strand, the complement: KMT2C is on the minus strand). VCF-style: chr7-152248368-A-G. GRCh37 (hg19) VCF-style: chr7-151945453-A-G.
Other names: c.2066T>C (NM_170606.2); short protein forms M689T.
Identifiers: ClinVar variation 2658238 (VCV002658238.25), dbSNP rs138046965, ClinGen allele CA4581316.

ClinVar aggregate classification (germline): Likely benign. Review status: criteria provided, multiple submitters, no conflicts (2 of 4 stars). 2 submissions from 2 submitters: Likely benign (2). Last evaluated 2024-03-28.

Conditions:
Inborn genetic diseases. Identifiers: MedGen C0950123, MeSH D030342.

Allele frequency attached by ClinVar (database versions not stated): TOPMed 0.00003; gnomAD 0.00004; ExAC 0.00007; ESP Exome Variant Server 0.00008; 1000 Genomes Project 0.00020; 1000 Genomes Project 30x 0.00031.
gnomAD v4.1: 75 of 1,613,986 alleles (0.0046%); highest among the groups gnomAD compares: Middle Eastern, 0.2%; no homozygotes.

Submissions (2):

Ambry Genetics
Classification: Likely benign for Inborn genetic diseases. Last evaluated: 2024-03-28. Review status: criteria provided, single submitter. Criteria: Ambry Variant Classification Scheme 2023. Collection method: clinical testing. Allele origin: germline.

CeGaT Center for Human Genetics Tuebingen
Classification: Likely benign. Last evaluated: 2023-08-01. Review status: criteria provided, single submitter. Criteria: CeGaT Center For Human Genetics Tuebingen Variant Classification Criteria Version 2. Collection method: clinical testing. Allele origin: germline. Affected: yes. Observed: 1 variant allele.
Comment: KMT2C: BP4, BS2